The following is an entry in ClinVar:

NM_004006.3(DMD):c.6906G>A (p.Trp2302Ter)

Gene: DMD (dystrophin; minus strand). Cytogenetic location: Xp21.1.
Variant type: single nucleotide variant.
Coding change: c.6906G>A on transcript NM_004006.3 (MANE Select); coding-DNA position 6906, G replaced by A.
Protein change: p.Trp2302Ter; replaces tryptophan 2302 with a stop codon.
Molecular consequence: nonsense. On other transcripts: 5 prime UTR variant (5).
Genome position (GRCh38, 1-based): chrX:31,929,602, C>T on the plus strand (G>A on the coding strand, the complement: DMD is on the minus strand). VCF-style: chrX-31929602-C-T. GRCh37 (hg19) VCF-style: chrX-31947719-C-T.
Other names: NP_003997.1:p.Trp2302*; c.6882G>A, p.Trp2294Ter (NM_000109.4); c.6894G>A, p.Trp2298Ter (NM_004009.3); c.6537G>A, p.Trp2179Ter (NM_004010.3); c.2883G>A, p.Trp961Ter (NM_004011.4); c.2874G>A, p.Trp958Ter (NM_004012.4); c.-475G>A (NM_004013.3, NM_004020.4, NM_004021.3 and 2 more transcripts); short protein forms W2302*, W2179*, W2294*, W2298*, W958*, W961*.
Identifiers: ClinVar variation 94750 (VCV000094750.9), dbSNP rs398124036, ClinGen allele CA267118.
Genomic context (GRCh38, chrX:31,929,602, plus strand): 5'-ACAAATACTTGCAACATTTAACACATGTGACGGAAGAGATGGTTAATGTCTAACCTTTAT[C>T]CACTGGAGATTTGTCTGCTTGAGCTTATTTTCAAGTTTATCTTGCTCTTCTGGGCTTATG-3'

ClinVar aggregate classification (germline): Pathogenic. Review status: criteria provided, multiple submitters, no conflicts (2 of 4 stars). 2 submissions from 2 submitters: Pathogenic (2). Last evaluated 2024-07-02.

Conditions:
Duchenne muscular dystrophy (DMD). Also called: Duchenne Muscular Dystrophy (DMD); MUSCULAR DYSTROPHY, PSEUDOHYPERTROPHIC PROGRESSIVE, DUCHENNE TYPE. Identifiers: Orphanet 98896, MedGen C0013264, MONDO:0010679, OMIM 310200.

Submissions (2):

Labcorp Genetics (formerly Invitae), Labcorp
Classification: Pathogenic for Duchenne muscular dystrophy. Last evaluated: 2024-07-02. Review status: criteria provided, single submitter. Criteria: Invitae Variant Classification Sherloc (09022015). Collection method: clinical testing. Allele origin: germline.
Comment: This sequence change creates a premature translational stop signal (p.Trp2302*) in the DMD gene. It is expected to result in an absent or disrupted protein product. Loss-of-function variants in DMD are known to be pathogenic (PMID: 16770791, 25007885). This variant is not present in population databases (gnomAD no frequency). This premature translational stop signal has been observed in individual(s) with clinical features of Becker and Duchenne muscular dystrophy (PMID: 20630757). ClinVar contains an entry for this variant (Variation ID: 94750). For these reasons, this variant has been classified as Pathogenic.

Eurofins Ntd Llc (ga)
Classification: Pathogenic. Last evaluated: 2014-03-31. Review status: criteria provided, single submitter. Criteria: EGL Classification Definitions 2015. Collection method: clinical testing. Allele origin: germline.

Literature cited by the submitters: PubMed 16770791 (cited by Labcorp Genetics (formerly Invitae), Labcorp); PubMed 25007885 (cited by Labcorp Genetics (formerly Invitae), Labcorp); PubMed 20630757 (cited by Labcorp Genetics (formerly Invitae), Labcorp).